The following is an entry in ClinVar:

ClinVar aggregate classification (germline): Uncertain significance (1 of 4 stars; one submission).

Submission:

GeneDx
Classification: Uncertain significance. Last evaluated: 2023-02-10. Review status: criteria provided, single submitter. Criteria: GeneDx Variant Classification Process June 2021. Collection method: clinical testing. Allele origin: germline. Affected: yes.
Comment: Has not been previously published as pathogenic or benign to our knowledge; Not observed at significant frequency in large population cohorts (gnomAD); In-frame deletion of 5 amino acids in a non-repeat region; In silico analysis supports that this variant does not alter protein structure/function

NM_002317.7(LOX):c.226_240del (p.Val76_Ala80del)

Genes: LOX (lysyl oxidase; minus strand), SRFBP1 (serum response factor binding protein 1; plus strand). Cytogenetic location: 5q23.1.
Variant type: Deletion.
Coding change: c.226_240del on transcript NM_002317.7 (MANE Select); coding-DNA positions 226 to 240, 15 bases deleted (GTCCCTGGTGCAGCC).
Protein change: p.Val76_Ala80del.
Molecular consequence: inframe deletion.
Genome position (GRCh38, 1-based): chr5:122,077,746-122,077,760, GGCTGCACCAGGGAC deleted on the plus strand (GTCCCTGGTGCAGCC on the coding strand, the reverse complement: LOX is on the minus strand); deleting any 15 consecutive bases within chr5:122,077,746-122,077,763 gives the same sequence; the c. name uses the placement nearest the transcript's 3' end. VCF-style (leftmost placement, unchanged base first): chr5-122077745-TGGCTGCACCAGGGAC-T. GRCh37 (hg19) VCF-style: chr5-121413440-TGGCTGCACCAGGGAC-T.
Identifiers: ClinVar variation 2575817 (VCV002575817.1), dbSNP rs2532917701, ClinGen allele CA2580613646.